The following is an entry in ClinVar:

ClinVar aggregate classification (germline): Conflicting classifications of pathogenicity. Review status: criteria provided, conflicting classifications (1 of 4 stars). 2 submissions from 2 submitters: Uncertain significance (1); Likely benign (1). Last evaluated 2022-08-23.

Conditions:
Intellectual developmental disorder, autosomal dominant 29. Also called: Intellectual disability, autosomal dominant 29; SETBP1 Haploinsufficiency Disorder. Identifiers: Orphanet 436151, MedGen C4015141, MONDO:0014482, OMIM 616078.

Allele frequency attached by ClinVar (database versions not stated): gnomAD 0.00001 and 0.00002; gnomAD exomes below 0.00001; TOPMed 0.00005.
gnomAD v4.1: 3 of 1,613,972 alleles (0.00019%); highest among the groups gnomAD compares: African/African-American, 0.004%; no homozygotes.

Submissions (2):

Labcorp Genetics (formerly Invitae), Labcorp
Classification: Likely benign. Last evaluated: 2022-08-23. Review status: criteria provided, single submitter. Criteria: Invitae Variant Classification Sherloc (09022015). Collection method: clinical testing. Allele origin: germline.

Neuberg Centre For Genomic Medicine, NCGM
Classification: Uncertain significance for Intellectual developmental disorder, autosomal dominant 29. Review status: criteria provided, single submitter. Criteria: ACMG Guidelines, 2015. Collection method: clinical testing. Allele origin: germline. Affected: yes.
Comment: The missense variant p.V583I in SETBP1 (NM_015559.3) has not been reported previously as a pathogenic variant nor as a benign variant, to our knowledge. The p.V583I variant is novel (not in any individuals) in gnomAD Exomes and is novel (not in any individuals) in 1000 Genomes. For these reasons, this variant has been classified as Uncertain Significance

NM_015559.3(SETBP1):c.1747G>A (p.Val583Ile)

Gene: SETBP1 (SET binding protein 1; plus strand). Cytogenetic location: 18q12.3.
Variant type: single nucleotide variant.
Coding change: c.1747G>A on transcript NM_015559.3 (MANE Select); coding-DNA position 1747, G replaced by A.
Protein change: p.Val583Ile; replaces valine 583 with isoleucine.
Molecular consequence: missense variant.
Genome position (GRCh38, 1-based): chr18:44,951,087, G>A. VCF-style: chr18-44951087-G-A. GRCh37 (hg19) VCF-style: chr18-42531052-G-A.
Other names: c.1747G>A, p.Val583Ile (NM_001379141.1, NM_001379142.1); short protein forms V583I.
Identifiers: ClinVar variation 1358590 (VCV001358590.7), dbSNP rs1000055196, ClinGen allele CA299697942.
Genomic context (GRCh38, chr18:44,951,087, plus strand): 5'-CCCATCACCCCATCCAGCCCTCTCTACACCAACACAGACAGTCTTACTGTGATCACTCCA[G>A]TCAAAAAGAAGCGGGGACGACCAAAGAAGCAGCCTTTGCTCACAGTCGAGACGATTCATG-3'
Protein context (NP_056374.2, residues 573-593): NTDSLTVITP[Val583Ile]KKKRGRPKKQ